The following is an entry in ClinVar:

ClinVar aggregate classification (germline): Uncertain significance. Review status: criteria provided, multiple submitters, no conflicts (2 of 4 stars). 2 submissions from 2 submitters: Uncertain significance (2). Last evaluated 2025-09-24.

Conditions:
Cardiovascular phenotype. Identifiers: MedGen CN230736.
Long QT syndrome (LQTS). Identifiers: MedGen C0023976, MeSH D008133, MONDO:0002442. Disease mechanism: loss of function. Inheritance: Various modes of inheritance.

gnomAD v4.1: 1 of 1,614,084 alleles (0.000062%); highest among the groups gnomAD compares: Non-Finnish European, 0.000085%; no homozygotes.

Submissions (2):

Labcorp Genetics (formerly Invitae), Labcorp
Classification: Uncertain significance for Long QT syndrome. Last evaluated: 2025-09-24. Review status: criteria provided, single submitter. Criteria: Invitae Variant Classification Sherloc (09022015). Collection method: clinical testing. Allele origin: germline.
Comment: This sequence change replaces proline, which is neutral and non-polar, with threonine, which is neutral and polar, at codon 2560 of the ANK2 protein (p.Pro2560Thr). This variant is not present in population databases (gnomAD no frequency). This variant has not been reported in the literature in individuals affected with ANK2-related conditions. An algorithm developed to predict the effect of missense changes on protein structure and function (PolyPhen-2) suggests that this variant is likely to be disruptive. In summary, the available evidence is currently insufficient to determine the role of this variant in disease. Therefore, it has been classified as a Variant of Uncertain Significance.

Ambry Genetics
Classification: Uncertain significance for Cardiovascular phenotype. Last evaluated: 2025-06-22. Review status: criteria provided, single submitter. Criteria: Ambry Variant Classification Scheme 2023. Collection method: clinical testing. Allele origin: germline.
Comment: The p.P2560T variant (also known as c.7678C>A), located in coding exon 38 of the ANK2 gene, results from a C to A substitution at nucleotide position 7678. The proline at codon 2560 is replaced by threonine, an amino acid with highly similar properties. This amino acid position is conserved. In addition, the in silico prediction for this alteration is inconclusive. Based on the available evidence, the clinical significance of this variant remains unclear.

NM_001148.6(ANK2):c.7678C>A (p.Pro2560Thr)

Genes: ANK2 (ankyrin 2; plus strand), LOC126807137 (CDK7 strongly-dependent group 2 enhancer GRCh37_chr4:114276560-114277759; plus strand). Cytogenetic location: 4q26.
Variant type: single nucleotide variant.
Coding change: c.7678C>A on transcript NM_001148.6 (MANE Select); coding-DNA position 7678, C replaced by A.
Protein change: p.Pro2560Thr; replaces proline 2560 with threonine.
Molecular consequence: missense variant. On other transcripts: intron variant (68).
Genome position (GRCh38, 1-based): chr4:113,356,296, C>A. VCF-style: chr4-113356296-C-A. GRCh37 (hg19) VCF-style: chr4-114277452-C-A.
Other names: c.7444C>A, p.Pro2482Thr (NM_001386142.1); c.4078C>A, p.Pro1360Thr (NM_001386166.1); c.7819C>A, p.Pro2607Thr (NM_001386174.1); c.7795C>A, p.Pro2599Thr (NM_001386175.1); c.4412-4527C>A (NM_001386186.2, NM_001386148.2); c.4214-4527C>A (NM_001354269.3); c.4292-4527C>A (NM_001386187.2); c.4253-4527C>A (NM_001386147.1); and 35 more; short protein forms P2482T, P2599T, P1360T, P2607T, P2560T.
Identifiers: ClinVar variation 4096456 (VCV004096456.2).
Genomic context (GRCh38, chr4:113,356,296, plus strand): 5'-ACCCCCAGCTCTGAAGAAGTCAGCTATGAGGTTACACCCAAAACCACAGATGTAAGTACA[C>A]CAAAACCAGCTGTGATTCATGAATGTGCAGAGGAGGATGATTCAGAAAACGGGGAGAAAA-3'
Protein context (NP_001139.3, residues 2550-2570): VTPKTTDVST[Pro2560Thr]KPAVIHECAE